The following is an entry in ClinVar:

NM_001453.3(FOXC1):c.1119C>T (p.Ser373=)

Gene: FOXC1 (forkhead box C1; plus strand). Cytogenetic location: 6p25.3.
Variant type: single nucleotide variant.
Coding change: c.1119C>T on transcript NM_001453.3 (MANE Select); coding-DNA position 1119, C replaced by T.
Protein change: p.Ser373=; no amino-acid change (serine 373 retained).
Molecular consequence: synonymous variant.
Genome position (GRCh38, 1-based): chr6:1,611,564, C>T. VCF-style: chr6-1611564-C-T. GRCh37 (hg19) VCF-style: chr6-1611799-C-T.
Identifiers: ClinVar variation 4722643 (VCV004722643.1).
Genomic context (GRCh38, chr6:1,611,564, plus strand): 5'-CTCGCCCGGCCAGAGCTCCCTCTACAGCTCCCCCTGCAGCCAGACCTCCAGCGCGGGCAG[C>T]TCGGGCGGCGGCGGCGGCGGCGCGGGGGCCGCGGGGGGCGCGGGCGGCGCCGGGACCTAC-3'
Protein context (NP_001444.2, residues 363-383): SPCSQTSSAG[Ser373=]SGGGGGGAGA

ClinVar aggregate classification (germline): Uncertain significance (1 of 4 stars; one submission).

Conditions:
Axenfeld-Rieger syndrome type 3 (RIEG3). Also called: AXENFELD-RIEGER ANOMALY WITH CARDIAC DEFECTS AND/OR SENSORINEURAL HEARING LOSS. Identifiers: Orphanet 782, MedGen C2678503, MONDO:0011233, OMIM 602482.

gnomAD v4.1: 2 of 1,184,474 alleles (0.00017%); highest among the groups gnomAD compares: Non-Finnish European, 0.00021%; no homozygotes.

Submission:

Labcorp Genetics (formerly Invitae), Labcorp
Classification: Uncertain significance for Axenfeld-Rieger syndrome type 3. Last evaluated: 2025-06-05. Review status: criteria provided, single submitter. Criteria: Invitae Variant Classification Sherloc (09022015). Collection method: clinical testing. Allele origin: germline.
Comment: This sequence change affects codon 373 of the FOXC1 mRNA. It is a 'silent' change, meaning that it does not change the encoded amino acid sequence of the FOXC1 protein. This variant is not present in population databases (gnomAD no frequency). This variant has not been reported in the literature in individuals affected with FOXC1-related conditions. In summary, the available evidence is currently insufficient to determine the role of this variant in disease. Therefore, it has been classified as a Variant of Uncertain Significance.